The following is an entry in ClinVar:

NM_014967.5(FAN1):c.1733A>G (p.Asn578Ser)

Gene: FAN1 (FANCD2 and FANCI associated nuclease 1; plus strand). Cytogenetic location: 15q13.3.
Variant type: single nucleotide variant.
Coding change: c.1733A>G on transcript NM_014967.5 (MANE Select); coding-DNA position 1733, A replaced by G.
Protein change: p.Asn578Ser; replaces asparagine 578 with serine.
Molecular consequence: missense variant.
Genome position (GRCh38, 1-based): chr15:30,914,013, A>G. VCF-style: chr15-30914013-A-G. GRCh37 (hg19) VCF-style: chr15-31206216-A-G.
Other names: short protein forms N578S.
Identifiers: ClinVar variation 2631856 (VCV002631856.2), dbSNP rs748377830, ClinGen allele CA7450387.

ClinVar aggregate classification (germline): Uncertain significance. Review status: criteria provided, multiple submitters, no conflicts (2 of 4 stars). 2 submissions from 2 submitters: Uncertain significance (2). Last evaluated 2024-01-02.

Conditions:
Karyomegalic interstitial nephritis. Identifiers: Orphanet 401996, MedGen C3553774, MONDO:0013898, OMIM 614817.
FAN1-related disorder. Also called: FAN1-related condition.

Allele frequency attached by ClinVar (database versions not stated): gnomAD 0.00001; gnomAD exomes 0.00001; ExAC 0.00002; TOPMed 0.00002.
gnomAD v4.1: 20 of 1,614,158 alleles (0.0012%); highest among the groups gnomAD compares: African/African-American, 0.008%; no homozygotes.

Submissions (2):

Fulgent Genetics
Classification: Uncertain significance for Karyomegalic interstitial nephritis. Last evaluated: 2024-01-02. Review status: criteria provided, single submitter. Criteria: ACMG Guidelines, 2015. Collection method: clinical testing. Allele origin: germline.

PreventionGenetics, part of Exact Sciences
Classification: Uncertain significance for FAN1-related condition. Last evaluated: 2022-10-19. Review status: criteria provided, single submitter. Criteria: ACMG Guidelines, 2015. Collection method: clinical testing. Allele origin: germline.
Comment: The FAN1 c.1733A>G variant is predicted to result in the amino acid substitution p.Asn578Ser. To our knowledge, this variant has not been reported in the literature. This variant is reported in 0.012% of alleles in individuals of African descent in gnomAD. At this time, the clinical significance of this variant is uncertain due to the absence of conclusive functional and genetic evidence.